The following is an entry in ClinVar:

NM_020320.5(RARS2):c.1609A>T (p.Lys537Ter)

Gene: RARS2 (arginyl-tRNA synthetase 2, mitochondrial; minus strand). Cytogenetic location: 6q15.
Variant type: single nucleotide variant.
Coding change: c.1609A>T on transcript NM_020320.5 (MANE Select); coding-DNA position 1609, A replaced by T.
Protein change: p.Lys537Ter; replaces lysine 537 with a stop codon.
Molecular consequence: nonsense. On other transcripts: non-coding transcript variant (23).
Genome position (GRCh38, 1-based): chr6:87,514,998, T>A on the plus strand (A>T on the coding strand, the complement: RARS2 is on the minus strand). VCF-style: chr6-87514998-T-A. GRCh37 (hg19) VCF-style: chr6-88224716-T-A.
Other names: c.1084A>T, p.Lys362Ter (NM_001318785.2, NM_001350506.2, NM_001350507.2 and 4 more transcripts); c.1609A>T, p.Lys537Ter (NM_001350505.2); short protein forms K362*, K537*.
Identifiers: ClinVar variation 4816052 (VCV004816052.1).

ClinVar aggregate classification (germline): Likely pathogenic (1 of 4 stars; one submission).

Conditions:
Pontocerebellar hypoplasia type 6 (PCH6). Identifiers: Orphanet 166073, MedGen C1969084, MONDO:0012683, OMIM 611523.

Submission:

Natera, Inc.
Classification: Likely pathogenic for Pontocerebellar hypoplasia, type 6. Last evaluated: 2025-08-25. Review status: criteria provided, single submitter. Criteria: Natera Variant Classification Schema (03/2026). Collection method: clinical testing. Allele origin: germline.
Comment: The c.1609A>T variant in RARS2 is a nonsense variant predicted to introduce a stop codon at amino acid 537. This variant is expected to result in nonsense mediated decay, truncation, or a dysfunctional protein product. This variant is rare in the general population with a frequency below the threshold expected for the associated phenotype(s). Given the available evidence, this variant is classified as Likely Pathogenic.